The following is an entry in ClinVar:

ClinVar aggregate classification (germline): Uncertain significance (1 of 4 stars; one submission).

Conditions:
Chuvash polycythemia. Also called: POLYCYTHEMIA, VHL-DEPENDENT. Identifiers: Orphanet 238557, MedGen C1837915, MONDO:0009892, OMIM 263400.
Von Hippel-Lindau syndrome (VHLS). Also called: VHL syndrome; Von Hippel-Lindau; von Hippel–Lindau syndrome. Identifiers: Orphanet 892, MedGen C0019562, MONDO:0008667, OMIM 193300. Disease mechanism: loss of function.

Submission:

Labcorp Genetics (formerly Invitae), Labcorp
Classification: Uncertain significance for Von Hippel-Lindau syndrome; Chuvash polycythemia. Last evaluated: 2025-10-31. Review status: criteria provided, single submitter. Criteria: Invitae Variant Classification Sherloc (09022015). Collection method: clinical testing. Allele origin: germline.
Comment: This sequence change replaces asparagine, which is neutral and polar, with serine, which is neutral and polar, at codon 174 of the VHL protein (p.Asn174Ser). This variant is not present in population databases (gnomAD no frequency). This variant has not been reported in the literature in individuals affected with VHL-related conditions. ClinVar contains an entry for this variant (Variation ID: 641253). Invitae Evidence Modeling of protein sequence and biophysical properties (such as structural, functional, and spatial information, amino acid conservation, physicochemical variation, residue mobility, and thermodynamic stability) indicates that this missense variant is expected to disrupt VHL protein function with a positive predictive value of 95%. In summary, the available evidence is currently insufficient to determine the role of this variant in disease. Therefore, it has been classified as a Variant of Uncertain Significance.

NM_000551.4(VHL):c.521A>G (p.Asn174Ser)

Genes: VHL (von Hippel-Lindau tumor suppressor; plus strand), LOC107303340 (3p25 von Hippel-Lindau tumor suppressor, E3 ubiquitin protein ligase Alu-mediated recombination region; plus strand). Cytogenetic location: 3p25.3.
Variant type: single nucleotide variant.
Coding change: c.521A>G on transcript NM_000551.4 (MANE Select); coding-DNA position 521, A replaced by G.
Protein change: p.Asn174Ser; replaces asparagine 174 with serine.
Molecular consequence: missense variant. On other transcripts: 3 prime UTR variant (1).
Genome position (GRCh38, 1-based): chr3:10,149,844, A>G. VCF-style: chr3-10149844-A-G. GRCh37 (hg19) VCF-style: chr3-10191528-A-G.
Other names: c.*75A>G (NM_001354723.2); c.398A>G, p.Asn133Ser (NM_198156.3); short protein forms N133S, N174S.
Identifiers: ClinVar variation 641253 (VCV000641253.9), dbSNP rs1575932235, ClinGen allele CA351756221.